The following is an entry in ClinVar:

NM_000051.4(ATM):c.5211_5222del (p.Lys1738_Leu1741del)

Gene: ATM (ATM serine/threonine kinase; plus strand). Cytogenetic location: 11q22.3.
Variant type: Deletion.
Coding change: c.5211_5222del on transcript NM_000051.4 (MANE Select); coding-DNA positions 5211 to 5222, 12 bases deleted (GAAAAACATTTT).
Protein change: p.Lys1738_Leu1741del.
Molecular consequence: inframe deletion.
Genome position (GRCh38, 1-based): chr11:108,301,681-108,301,692, GAAAAACATTTT deleted; deleting any 12 consecutive bases within chr11:108,301,678-108,301,692 gives the same sequence; the c. name uses the placement nearest the transcript's 3' end. VCF-style (leftmost placement, unchanged base first): chr11-108301677-GTTTGAAAAACAT-G. GRCh37 (hg19) VCF-style: chr11-108172404-GTTTGAAAAACAT-G.
Other names: c.5211_5222del, p.Lys1738_Leu1741del (NM_001351834.2).
Identifiers: ClinVar variation 825554 (VCV000825554.4), dbSNP rs1591708546, ClinGen allele CA915947625.

ClinVar aggregate classification (germline): Uncertain significance (1 of 4 stars; one submission).

Conditions:
Hereditary cancer-predisposing syndrome. Also called: Neoplastic Syndromes, Hereditary; Tumor predisposition; Hereditary neoplastic syndrome; Hereditary Cancer Syndrome. Identifiers: Orphanet 140162, MedGen C0027672, MeSH D009386, MONDO:0015356.

Submission:

Ambry Genetics
Classification: Uncertain significance for Hereditary cancer-predisposing syndrome. Last evaluated: 2019-05-14. Review status: criteria provided, single submitter. Criteria: Ambry Variant Classification Scheme 2023. Collection method: clinical testing. Allele origin: germline.
Comment: The c.5211_5222del12 variant (also known as p.K1738_L1741del) is located in coding exon 34 of the ATM gene. This variant results from an in-frame GAAAAACATTTT deletion at nucleotide positions 5211 to 5222. This results in the in-frame deletion of 4 residues (KNIL) from codon 1738 to 1741. This amino acid region is well conserved in available vertebrate species. Since supporting evidence is limited at this time, the clinical significance of this alteration remains unclear.